The following is an entry in ClinVar:

ClinVar aggregate classification (germline): Uncertain significance. Review status: criteria provided, multiple submitters, no conflicts (2 of 4 stars). 2 submissions from 2 submitters: Uncertain significance (2). Last evaluated 2025-12-08.

Conditions:
Inborn genetic diseases. Identifiers: MedGen C0950123, MeSH D030342.

Allele frequency attached by ClinVar (database versions not stated): gnomAD 0.00001; ExAC 0.00002.

Submissions (2):

Labcorp Genetics (formerly Invitae), Labcorp
Classification: Uncertain significance. Last evaluated: 2025-12-08. Review status: criteria provided, single submitter. Criteria: Invitae Variant Classification Sherloc (09022015). Collection method: clinical testing. Allele origin: germline.
Comment: This sequence change replaces arginine, which is basic and polar, with glycine, which is neutral and non-polar, at codon 315 of the MBD4 protein (p.Arg315Gly). This variant is present in population databases (rs755887144, gnomAD 0.006%). This variant has not been reported in the literature in individuals affected with MBD4-related conditions. ClinVar contains an entry for this variant (Variation ID: 2780823). An algorithm developed to predict the effect of missense changes on protein structure and function (PolyPhen-2) suggests that this variant is likely to be tolerated. In summary, the available evidence is currently insufficient to determine the role of this variant in disease. Therefore, it has been classified as a Variant of Uncertain Significance.

Ambry Genetics
Classification: Uncertain significance for Inborn genetic diseases. Last evaluated: 2024-11-18. Review status: criteria provided, single submitter. Criteria: Ambry Variant Classification Scheme 2023. Collection method: clinical testing. Allele origin: germline.
Comment: The p.R315G variant (also known as c.943A>G), located in coding exon 3 of the MBD4 gene, results from an A to G substitution at nucleotide position 943. The arginine at codon 315 is replaced by glycine, an amino acid with dissimilar properties. This amino acid position is conserved. In addition, this alteration is predicted to be tolerated by in silico analysis. Based on the available evidence, the clinical significance of this variant remains unclear.

NM_001276270.2(MBD4):c.943A>G (p.Arg315Gly)

Gene: MBD4 (methyl-CpG binding domain 4, DNA glycosylase; minus strand). Cytogenetic location: 3q21.3.
Variant type: single nucleotide variant.
Coding change: c.943A>G on transcript NM_001276270.2 (MANE Select); coding-DNA position 943, A replaced by G.
Protein change: p.Arg315Gly; replaces arginine 315 with glycine.
Molecular consequence: missense variant. On other transcripts: intron variant (1).
Genome position (GRCh38, 1-based): chr3:129,436,701, T>C on the plus strand (A>G on the coding strand, the complement: MBD4 is on the minus strand). VCF-style: chr3-129436701-T-C. GRCh37 (hg19) VCF-style: chr3-129155544-T-C.
Other names: c.943A>G, p.Arg315Gly (NM_001276271.2, NM_001276272.2, NM_003925.3); c.247+1107A>G (NM_001276273.2); short protein forms R315G.
Identifiers: ClinVar variation 2780823 (VCV002780823.4), dbSNP rs755887144, ClinGen allele CA2605441.